The following is an entry in ClinVar:

NM_000090.4(COL3A1):c.3745A>G (p.Ile1249Val)

Gene: COL3A1 (collagen type III alpha 1 chain; plus strand). Cytogenetic location: 2q32.2.
Variant type: single nucleotide variant.
Coding change: c.3745A>G on transcript NM_000090.4 (MANE Select); coding-DNA position 3745, A replaced by G.
Protein change: p.Ile1249Val; replaces isoleucine 1249 with valine.
Molecular consequence: missense variant.
Genome position (GRCh38, 1-based): chr2:189,009,143, A>G. VCF-style: chr2-189009143-A-G. GRCh37 (hg19) VCF-style: chr2-189873869-A-G.
Other names: short protein forms I1249V.
Identifiers: ClinVar variation 920962 (VCV000920962.19), dbSNP rs779018915, ClinGen allele CA076261.

ClinVar aggregate classification (germline): Conflicting classifications of pathogenicity. Review status: criteria provided, conflicting classifications (1 of 4 stars). 5 submissions from 5 submitters: Uncertain significance (4); Likely benign (1). Last evaluated 2026-09-11.

Conditions:
Familial thoracic aortic aneurysm and aortic dissection (TAAD). Also called: Thoracic aortic aneurysms and dissections. Identifiers: Orphanet 91387, MedGen C4707243, MONDO:0019625.
Ehlers-Danlos syndrome, type 4 (EDSVASC). Also called: Ehlers-Danlos Syndrome Type IV; Ehlers-Danlos syndrome vascular type; Ehlers Danlos syndrome, ecchymotic type; Ehlers Danlos syndrome, arterial type; Ehlers Danlos syndrome, Sack-Barabas type. Identifiers: Orphanet 286, MedGen C0268338, MONDO:0017314, OMIM 130050.

Allele frequency attached by ClinVar (database versions not stated): gnomAD exomes below 0.00001 and 0.00001; ExAC 0.00001; gnomAD 0.00001; TOPMed 0.00003.
gnomAD v4.1: 9 of 1,613,776 alleles (0.00056%); highest among the groups gnomAD compares: Middle Eastern, 0.016%; no homozygotes.

Submissions (5):

Ambry Genetics
Classification: Uncertain significance for Familial thoracic aortic aneurysm and aortic dissection. Last evaluated: 2026-09-11. Review status: criteria provided, single submitter. Criteria: Ambry Variant Classification Scheme 2023. Collection method: clinical testing. Allele origin: germline.
Comment: The p.I1249V variant (also known as c.3745A>G), located in coding exon 48 of the COL3A1 gene, results from an A to G substitution at nucleotide position 3745. The isoleucine at codon 1249 is replaced by valine, an amino acid with highly similar properties. This amino acid position is conserved. In addition, this alteration is predicted to be tolerated by in silico analysis. Based on the available evidence, the clinical significance of this variant remains unclear.

GeneDx
Classification: Uncertain significance. Last evaluated: 2026-04-21. Review status: criteria provided, single submitter. Criteria: GeneDx Variant Classification Process June 2021. Collection method: clinical testing. Allele origin: germline.
Comment: Not observed at significant frequency in large population cohorts (gnomAD); In silico analysis suggests that this missense variant does not alter protein structure/function; Has not been previously published as pathogenic or benign to our knowledge; Not located in the triple helical region, where the majority of pathogenic missense variants occur (HGMD)

Color Diagnostics, LLC DBA Color Health
Classification: Likely benign for Familial thoracic aortic aneurysm and aortic dissection. Last evaluated: 2025-11-04. Review status: criteria provided, single submitter. Criteria: ACMG Guidelines, 2015. Collection method: clinical testing. Allele origin: germline.

Labcorp Genetics (formerly Invitae), Labcorp
Classification: Uncertain significance for Ehlers-Danlos syndrome, type 4. Last evaluated: 2024-09-27. Review status: criteria provided, single submitter. Criteria: Invitae Variant Classification Sherloc (09022015). Collection method: clinical testing. Allele origin: germline.
Comment: This sequence change replaces isoleucine, which is neutral and non-polar, with valine, which is neutral and non-polar, at codon 1249 of the COL3A1 protein (p.Ile1249Val). This variant is present in population databases (rs779018915, gnomAD 0.003%). This variant has not been reported in the literature in individuals affected with COL3A1-related conditions. ClinVar contains an entry for this variant (Variation ID: 920962). Invitae Evidence Modeling of protein sequence and biophysical properties (such as structural, functional, and spatial information, amino acid conservation, physicochemical variation, residue mobility, and thermodynamic stability) indicates that this missense variant is not expected to disrupt COL3A1 protein function with a negative predictive value of 95%. In summary, the available evidence is currently insufficient to determine the role of this variant in disease. Therefore, it has been classified as a Variant of Uncertain Significance.

All of Us Research Program, National Institutes of Health
Classification: Uncertain significance for Ehlers-Danlos syndrome, type 4. Last evaluated: 2024-09-23. Review status: criteria provided, single submitter. Criteria: ACMG Guidelines, 2015. Collection method: clinical testing. Allele origin: germline. Inheritance: Autosomal dominant inheritance. Observed: 11 variant alleles, 11 heterozygotes.
Comment: This missense variant replaces isoleucine with valine at codon 1249 of the COL3A1 protein. Computational prediction suggests that this variant may not impact protein structure and function (internally defined REVEL score threshold <= 0.5, PMID: 27666373). To our knowledge, functional studies have not been reported for this variant. This variant has not been reported in individuals affected with cardiovascular disorders in the literature. This variant has been identified in 1/251322 chromosomes in the general population by the Genome Aggregation Database (gnomAD). The available evidence is insufficient to determine the role of this variant in disease conclusively. Therefore, this variant is classified as a Variant of Uncertain Significance.

This study involves interpretation of variants in research participants for the purpose of population health screening. Participant phenotype was not available at the time of variant classification. Additional details can be found in publication PMID: 35346344, PMCID: PMC8962531